The following is an entry in ClinVar:

ClinVar aggregate classification (germline): Likely pathogenic (1 of 4 stars; one submission).

Conditions:
Tuberous sclerosis 1 (TSC1). Identifiers: Orphanet 805, MedGen C1854465, MONDO:0008612, OMIM 191100.

Submission:

Neuberg Centre For Genomic Medicine, NCGM
Classification: Likely pathogenic for Tuberous sclerosis 1. Review status: criteria provided, single submitter. Criteria: ACMG Guidelines, 2015. Collection method: clinical testing. Allele origin: germline. Inheritance: Autosomal dominant inheritance. Affected: yes.
Comment: The frameshift variant c.2405dup (p.Asp802GlufsTer24) in TSC1 gene has not been reported previously as a pathogenic variant nor as a benign variant, to our knowledge. The p.Asp802GlufsTer24 variant is novel (not in any individuals) in gnomAD Exomes and 1000 Genomes. This variant causes a frameshift starting with codon Aspartic Acid 802, changes this amino acid to Glutamic Acid residue, and creates a premature Stop codon at position 24 of the new reading frame, denoted p.Asp802GlufsTer24. For these reasons, this variant has been classified as Likely Pathogenic

NM_000368.5(TSC1):c.2405dup (p.Asp802fs)

Gene: TSC1 (TSC complex subunit 1; minus strand). Cytogenetic location: 9q34.13.
Variant type: Duplication.
Coding change: c.2405dup on transcript NM_000368.5 (MANE Select); coding-DNA position 2405, one base duplicated (A; older notation c.2405dupA).
Protein change: p.Asp802fs; shifts the reading frame from aspartic acid 802.
Molecular consequence: frameshift variant. On other transcripts: non-coding transcript variant (5).
Genome position (GRCh38, 1-based): chr9:132,901,686, T duplicated on the plus strand (A on the coding strand, the reverse complement: TSC1 is on the minus strand). VCF-style (leftmost placement, unchanged base first): chr9-132901685-G-GT. GRCh37 (hg19) VCF-style: chr9-135777072-G-GT.
Other names: c.2402dup, p.Asp801fs (NM_001162426.2, NM_001406609.1, NM_001406597.1 and 4 more transcripts); c.2252dup, p.Asp751fs (NM_001162427.2, NM_001406610.1); c.2249dup, p.Asp750fs (NM_001406611.1, NM_001406612.1, NM_001406613.1); c.2042dup, p.Asp681fs (NM_001406614.1, NM_001406615.1, NM_001406616.1 and 5 more transcripts); c.2039dup, p.Asp680fs (NM_001406620.1, NM_001406621.1, NM_001406622.1 and 2 more transcripts); c.1454dup, p.Asp485fs (NM_001406626.1); c.2405dup, p.Asp802fs (NM_001406592.1, NM_001406593.1, NM_001406594.1 and 5 more transcripts); c.2390dup, p.Asp797fs (NM_001406601.1, NM_001406602.1); and 3 more; short protein forms D750fs, D802fs, D485fs, D796fs, D484fs, D680fs, D681fs, D801fs.
Identifiers: ClinVar variation 2585285 (VCV002585285.1), dbSNP rs2538579287, ClinGen allele CA2582342667.